The following is an entry in ClinVar:

NM_022081.6(HPS4):c.941C>T (p.Pro314Leu)

Gene: HPS4 (HPS4 biogenesis of lysosomal organelles complex 3 subunit 2; minus strand). Cytogenetic location: 22q12.1.
Variant type: single nucleotide variant.
Coding change: c.941C>T on transcript NM_022081.6 (MANE Select); coding-DNA position 941, C replaced by T.
Protein change: p.Pro314Leu; replaces proline 314 with leucine.
Molecular consequence: missense variant. On other transcripts: non-coding transcript variant (8).
Genome position (GRCh38, 1-based): chr22:26,464,689, G>A on the plus strand (C>T on the coding strand, the complement: HPS4 is on the minus strand). VCF-style: chr22-26464689-G-A. GRCh37 (hg19) VCF-style: chr22-26860655-G-A.
Other names: c.941C>T, p.Pro314Leu (NM_001349896.1, NM_001349898.2, NM_001349899.2 and 5 more transcripts); c.995C>T, p.Pro332Leu (NM_001349900.2, NM_001349901.1); c.926C>T, p.Pro309Leu (NM_152841.2); short protein forms P314L, P309L, P332L.
Identifiers: ClinVar variation 3680611 (VCV003680611.1).
Genomic context (GRCh38, chr22:26,464,689, plus strand): 5'-TCCAGATCATGGCCAGACAAGCATCCGTTCTCCTTCCTGCCATCTGGACAAGCTTCGTCA[G>A]GGGATGTGGGATCTGGGGTGGTCCAGGCCATGGATTCCACATGGCCAGTGGCGTTTTCTT-3'
Protein context (NP_071364.4, residues 304-324): MAWTTPDPTS[Pro314Leu]DEACPDGRKE

ClinVar aggregate classification (germline): Uncertain significance (1 of 4 stars; one submission).

Submission:

Labcorp Genetics (formerly Invitae), Labcorp
Classification: Uncertain significance. Last evaluated: 2024-09-02. Review status: criteria provided, single submitter. Criteria: Invitae Variant Classification Sherloc (09022015). Collection method: clinical testing. Allele origin: germline.
Comment: This sequence change replaces proline, which is neutral and non-polar, with leucine, which is neutral and non-polar, at codon 314 of the HPS4 protein (p.Pro314Leu). This variant is not present in population databases (gnomAD no frequency). This variant has not been reported in the literature in individuals affected with HPS4-related conditions. An algorithm developed to predict the effect of missense changes on protein structure and function (PolyPhen-2) suggests that this variant¬†is likely to be tolerated. In summary, the available evidence is currently insufficient to determine the role of this variant in disease. Therefore, it has been classified as a Variant of Uncertain Significance.